The following is an entry in ClinVar:

ClinVar aggregate classification (germline): Pathogenic. Review status: criteria provided, multiple submitters, no conflicts (2 of 4 stars). 3 submissions from 3 submitters: Pathogenic (3). Last evaluated 2025-09-10.

Conditions:
Juvenile polyposis syndrome (JPS). Identifiers: Orphanet 2929, MedGen C0345893, MONDO:0017380, OMIM 174900.
Hereditary cancer-predisposing syndrome. Also called: Tumor predisposition; Neoplastic Syndromes, Hereditary; Hereditary Cancer Syndrome; Hereditary neoplastic syndrome. Identifiers: Orphanet 140162, MedGen C0027672, MeSH D009386, MONDO:0015356.

Submissions (3):

Labcorp Genetics (formerly Invitae), Labcorp
Classification: Pathogenic for Juvenile polyposis syndrome. Last evaluated: 2025-09-10. Review status: criteria provided, single submitter. Criteria: Invitae Variant Classification Sherloc (09022015). Collection method: clinical testing. Allele origin: germline.
Comment: This sequence change creates a premature translational stop signal (p.Gln117*) in the BMPR1A gene. It is expected to result in an absent or disrupted protein product. Loss-of-function variants in BMPR1A are known to be pathogenic (PMID: 11536076, 12417513). This variant is not present in population databases (gnomAD no frequency). This premature translational stop signal has been observed in individual(s) with juvenile polyposis (PMID: 12417513). ClinVar contains an entry for this variant (Variation ID: 2584273). For these reasons, this variant has been classified as Pathogenic.

Ambry Genetics
Classification: Pathogenic for Hereditary cancer-predisposing syndrome. Last evaluated: 2024-04-03. Review status: criteria provided, single submitter. Criteria: Ambry Variant Classification Scheme 2023. Collection method: clinical testing. Allele origin: germline.
Comment: The p.Q117* pathogenic mutation (also known as c.349C>T), located in coding exon 4 of the BMPR1A gene, results from a C to T substitution at nucleotide position 349. This changes the amino acid from a glutamine to a stop codon within coding exon 4. This variant has been detected in patients with juvenile polyposis syndrome (JPS) (Sayed MG et al. Ann Surg Oncol, 2002 Nov;9:901-6; Aretz S et al. J Med Genet, 2007 Nov;44:702-9). In addition to the clinical data presented in the literature, this alteration is expected to result in loss of function by premature protein truncation or nonsense-mediated mRNA decay. As such, this alteration is interpreted as a disease-causing mutation.

Myriad Genetics, Inc.
Classification: Pathogenic for Juvenile polyposis syndrome. Last evaluated: 2023-05-26. Review status: criteria provided, single submitter. Criteria: Myriad Autosomal Dominant, Autosomal Recessive and X-Linked Classification Criteria (2023). Collection method: clinical testing. Allele origin: unknown.
Comment: This variant is considered pathogenic. This variant creates a termination codon and is predicted to result in premature protein truncation.

Literature cited by the submitters: PubMed 11536076 (cited by Labcorp Genetics (formerly Invitae), Labcorp); PubMed 12417513 (cited by Labcorp Genetics (formerly Invitae), Labcorp and Ambry Genetics); PubMed 17873119 (cited by Ambry Genetics).

NM_004329.3(BMPR1A):c.349C>T (p.Gln117Ter)

Gene: BMPR1A (bone morphogenetic protein receptor type 1A; plus strand). Cytogenetic location: 10q23.2.
Variant type: single nucleotide variant.
Coding change: c.349C>T on transcript NM_004329.3 (MANE Select); coding-DNA position 349, C replaced by T.
Protein change: p.Gln117Ter; replaces glutamine 117 with a stop codon.
Molecular consequence: nonsense. On other transcripts: non-coding transcript variant (3), intron variant (1).
Genome position (GRCh38, 1-based): chr10:86,899,809, C>T. VCF-style: chr10-86899809-C-T. GRCh37 (hg19) VCF-style: chr10-88659566-C-T.
Other names: c.349C>T, p.Gln117Ter (NM_001406559.1, NM_001406560.1, NM_001406561.1 and 22 more transcripts); c.265C>T, p.Gln89Ter (NM_001406584.1, NM_001406585.1, NM_001406586.1 and 2 more transcripts); c.333+7580C>T (NM_001406589.1); short protein forms Q117*, Q89*.
Identifiers: ClinVar variation 2584273 (VCV002584273.4), dbSNP rs2133453431, ClinGen allele CA377449323.